The following is an entry in ClinVar:

ClinVar aggregate classification (germline): Uncertain significance (1 of 4 stars; one submission).

Conditions:
Carney complex, type 1 (CNC1). Also called: CARNEY COMPLEX, TYPE I; CARNEY MYXOMA-ENDOCRINE COMPLEX. Identifiers: Orphanet 1359, MedGen C2607929, MONDO:0008057, OMIM 160980.

Submission:

Labcorp Genetics (formerly Invitae), Labcorp
Classification: Uncertain significance for Carney complex, type 1. Last evaluated: 2020-01-02. Review status: criteria provided, single submitter. Criteria: Invitae Variant Classification Sherloc (09022015). Collection method: clinical testing. Allele origin: germline.
Comment: In summary, the available evidence is currently insufficient to determine the role of this variant in disease. Therefore, it has been classified as a Variant of Uncertain Significance. This sequence change replaces asparagine with threonine at codon 26 of the PRKAR1A protein (p.Asn26Thr). The asparagine residue is moderately conserved and there is a small physicochemical difference between asparagine and threonine. This variant is not present in population databases (ExAC no frequency). This variant has not been reported in the literature in individuals with PRKAR1A-related conditions. Algorithms developed to predict the effect of missense changes on protein structure and function are either unavailable or do not agree on the potential impact of this missense change (SIFT: "Tolerated"; PolyPhen-2: "Possibly Damaging"; Align-GVGD: "Class C0").

NM_002734.5(PRKAR1A):c.77A>C (p.Asn26Thr)

Gene: PRKAR1A (protein kinase cAMP-dependent type I regulatory subunit alpha; plus strand). Cytogenetic location: 17q24.2.
Variant type: single nucleotide variant.
Coding change: c.77A>C on transcript NM_002734.5 (MANE Select); coding-DNA position 77, A replaced by C.
Protein change: p.Asn26Thr; replaces asparagine 26 with threonine.
Molecular consequence: missense variant.
Genome position (GRCh38, 1-based): chr17:68,515,476, A>C. VCF-style: chr17-68515476-A-C. GRCh37 (hg19) VCF-style: chr17-66511617-A-C.
Other names: c.77A>C, p.Asn26Thr (NM_001276289.2, NM_001276290.1, NM_001278433.2 and 4 more transcripts); short protein forms N26T.
Identifiers: ClinVar variation 1060899 (VCV001060899.9), dbSNP rs2143150787, ClinGen allele CA400751918.